The following is an entry in ClinVar:

NM_005883.3(APC2):c.5805G>A (p.Arg1935=)

Genes: APC2 (APC regulator of Wnt signaling pathway 2; plus strand), LOC130062956 (ATAC-STARR-seq lymphoblastoid silent region 9718; plus strand). Cytogenetic location: 19p13.3.
Variant type: single nucleotide variant.
Coding change: c.5805G>A on transcript NM_005883.3 (MANE Select); coding-DNA position 5805, G replaced by A.
Protein change: p.Arg1935=; no amino-acid change (arginine 1935 retained).
Molecular consequence: synonymous variant.
Genome position (GRCh38, 1-based): chr19:1,469,106, G>A. VCF-style: chr19-1469106-G-A. GRCh37 (hg19) VCF-style: chr19-1469105-G-A.
Other names: c.5802G>A, p.Arg1934= (NM_001351273.1).
Identifiers: ClinVar variation 3031505 (VCV003031505.2), dbSNP rs1282185042, ClinGen allele CA504898549.
Genomic context (GRCh38, chr19:1,469,106, plus strand): 5'-CCTTCTGGCGAAGCAGCACAAGACGCAGAGATCGCCCGTGCGGATCCCGTTCATGCAGAG[G>A]CCGGCCCGGCGTGGGCCGCCACCGCTGGCTCGGGCAGTCCCGGAGCCGGGCCCCAGGGGC-3'
Protein context (NP_005874.1, residues 1925-1945): RSPVRIPFMQ[Arg1935=]PARRGPPPLA

ClinVar aggregate classification (germline): Likely benign (0 of 4 stars; one submission).

Conditions:
APC2-related disorder. Also called: APC2-related condition; APC2-Related Disorders.

Allele frequency attached by ClinVar (database versions not stated): gnomAD exomes below 0.00001; TOPMed 0.00001; gnomAD 0.00003.
gnomAD v4.1: 9 of 1,399,558 alleles (0.00064%); highest among the groups gnomAD compares: African/African-American, 0.0091%; no homozygotes.

Submission:

PreventionGenetics, part of Exact Sciences
Classification: Likely benign for APC2-related condition. Last evaluated: 2023-08-29. Review status: no assertion criteria provided. Collection method: clinical testing. Allele origin: germline.
Comment: This variant is classified as likely benign based on ACMG/AMP sequence variant interpretation guidelines (Richards et al. 2015 PMID: 25741868, with internal and published modifications).